The following is an entry in ClinVar:

ClinVar aggregate classification (germline): Uncertain significance (1 of 4 stars; one submission).

Conditions:
GNPTG-mucolipidosis. Also called: Mucolipidosis type III gamma; MUCOLIPIDOSIS III, COMPLEMENTATION GROUP C; MUCOLIPIDOSIS III, IRANIAN VARIANT FORM; MUCOLIPIDOSIS III, VARIANT FORM; ML III GAMMA; ML IIIC. Identifiers: Orphanet 423470, Orphanet 577, MedGen C1854896, MONDO:0009652, OMIM 252605.

Submission:

3billion
Classification: Uncertain significance for GNPTG-mucolipidosis. Last evaluated: 2025-12-14. Review status: criteria provided, single submitter. Criteria: ACMG Guidelines, 2015. Collection method: clinical testing. Allele origin: germline. Affected: yes.
Comment: The variant is observed at an extremely low frequency in the gnomAD v4.1.0 dataset (total allele frequency: <0.001%). Predicted Consequence/Location: Intron variant In silico tools predict the variant to alter splicing and produce an abnormal transcript [SpliceAI: 0.60 (>=0.2, moderate evidence for spliceogenicity)]. Therefore, this variant is classified as VUS according to the recommendation of ACMG/AMP guideline.

NM_032520.5(GNPTG):c.233+17_233+28del

Gene: GNPTG (N-acetylglucosamine-1-phosphate transferase subunit gamma; plus strand). Cytogenetic location: 16p13.3.
Variant type: Deletion.
Coding change: c.233+17_233+28del on transcript NM_032520.5 (MANE Select); bases 17 to 28 of the intron after coding-DNA position 233, 12 bases deleted (TGCGAGGGTGGG).
Molecular consequence: intron variant.
Genome position (GRCh38, 1-based): chr16:1,361,814-1,361,825, TGCGAGGGTGGG deleted; deleting any 12 consecutive bases within chr16:1,361,806-1,361,825 gives the same sequence; the c. name uses the placement nearest the transcript's 3' end. VCF-style (leftmost placement, unchanged base first): chr16-1361805-CAGGGTGGGTGCG-C. GRCh37 (hg19) VCF-style: chr16-1411806-CAGGGTGGGTGCG-C.
Identifiers: ClinVar variation 4854491 (VCV004854491.1).